The following is an entry in ClinVar:

NM_000532.5(PCCB):c.979C>G (p.Arg327Gly)

Gene: PCCB (propionyl-CoA carboxylase subunit beta; plus strand). Cytogenetic location: 3q22.3.
Variant type: single nucleotide variant.
Coding change: c.979C>G on transcript NM_000532.5 (MANE Select); coding-DNA position 979, C replaced by G.
Protein change: p.Arg327Gly; replaces arginine 327 with glycine.
Molecular consequence: missense variant.
Genome position (GRCh38, 1-based): chr3:136,316,953, C>G. VCF-style: chr3-136316953-C-G. GRCh37 (hg19) VCF-style: chr3-136035795-C-G.
Other names: c.1039C>G, p.Arg347Gly (NM_001178014.2); c.979C>G (NM_000532.4); short protein forms R327G, R347G.
Identifiers: ClinVar variation 2013941 (VCV002013941.2), dbSNP rs377660729, ClinGen allele CA354647207.

ClinVar aggregate classification (germline): Uncertain significance. Review status: criteria provided, single submitter (1 of 4 stars). 2 submissions from 2 submitters: Uncertain significance (1). 1 of the submissions does not count toward it. Last evaluated 2022-07-04.

Conditions:
Propionic acidemia (PROP). Also called: GLYCINEMIA, KETOTIC; HYPERGLYCINEMIA WITH KETOACIDOSIS AND LEUKOPENIA; KETOTIC HYPERGLYCINEMIA. Identifiers: Orphanet 35, MedGen C0268579, MONDO:0011628, OMIM 606054, HP:0003571.

Submissions (2):

Labcorp Genetics (formerly Invitae), Labcorp
Classification: Uncertain significance for Propionic acidemia. Last evaluated: 2022-07-04. Review status: criteria provided, single submitter. Criteria: Invitae Variant Classification Sherloc (09022015). Collection method: clinical testing. Allele origin: germline.
Comment: This sequence change replaces arginine, which is basic and polar, with glycine, which is neutral and non-polar, at codon 327 of the PCCB protein (p.Arg327Gly). This variant is not present in population databases (gnomAD no frequency). This variant has not been reported in the literature in individuals affected with PCCB-related conditions. Advanced modeling of protein sequence and biophysical properties (such as structural, functional, and spatial information, amino acid conservation, physicochemical variation, residue mobility, and thermodynamic stability) performed at Invitae indicates that this missense variant is not expected to disrupt PCCB protein function. In summary, the available evidence is currently insufficient to determine the role of this variant in disease. Therefore, it has been classified as a Variant of Uncertain Significance.

Natera, Inc.
Classification: Uncertain significance for Propionic acidemia. Last evaluated: 2025-01-22. Review status: no assertion criteria provided. Collection method: clinical testing. Allele origin: germline. Not counted in ClinVar's aggregate classification.